The following is an entry in ClinVar:

NM_001317778.2(SFTPC):c.476_477del (p.Glu159fs)

Gene: SFTPC (surfactant protein C; plus strand). Cytogenetic location: 8p21.3.
Variant type: Microsatellite.
Coding change: c.476_477del on transcript NM_001317778.2 (MANE Select); coding-DNA positions 476 to 477, 2 bases deleted (AG; older notation c.476_477delAG).
Protein change: p.Glu159fs; shifts the reading frame from glutamic acid 159.
Molecular consequence: frameshift variant.
Genome position (GRCh38, 1-based): chr8:22,163,941-22,163,942, AG deleted; deleting any 2 consecutive bases within chr8:22,163,939-22,163,942 gives the same sequence; the c. name uses the placement nearest the transcript's 3' end. VCF-style (leftmost placement, unchanged base first): chr8-22163938-CAG-C. GRCh37 (hg19) VCF-style: chr8-22021451-CAG-C.
Other names: c.476_477del, p.Glu159fs (NM_001172357.2, NM_001317780.2, NM_001385656.1 and 3 more transcripts); c.494_495del, p.Glu165fs (NM_001172410.2, NM_001385653.1, NM_001385654.1 and 2 more transcripts); c.335_336del, p.Glu112fs (NM_001317779.2, NM_001385660.1); short protein forms E112fs, E165fs, E159fs.
Identifiers: ClinVar variation 1744270 (VCV001744270.2), dbSNP rs2538948503, ClinGen allele CA2580614314.
Genomic context (GRCh38, chr8:22,163,938, plus strand): 5'-TCCAGATGGAATGCTCTCTGCAGGCCAAGCCCGCAGTGCCTACGTCTAAGCTGGGCCAGG[CAG>C]AGGGGCGAGATGCAGGCTCAGCACCCTCCGGAGGGGACCCGGCCTTCCTGGGCATGGCCG-3'

ClinVar aggregate classification (germline): Likely pathogenic (1 of 4 stars; one submission).

Conditions:
Hereditary pulmonary alveolar proteinosis. Also called: Pulmonary surfactant metabolism dysfunction. Identifiers: Orphanet 264675, MedGen C3711368, MONDO:0012580.

Submission:

Ambry Genetics
Classification: Likely pathogenic for Hereditary pulmonary alveolar proteinosis. Last evaluated: 2017-03-17. Review status: criteria provided, single submitter. Criteria: Ambry Variant Classification Scheme 2023. Collection method: clinical testing. Allele origin: germline.
Comment: The c.494_495delAG variant, located in coding exon 5 of the SFTPC gene, results from a deletion of two nucleotides at nucleotide positions 494 to 495, causing a translational frameshift with a predicted alternate stop codon (p.E165Gfs*38). Frameshifts are typically deleterious in nature; however, this frameshift occurs at the 3' terminus of SFTPC, is not expected to trigger nonsense-mediated mRNA decay, and results in the elongation of the protein by 4 amino acids. The frameshift is predicted to disrupt 1/3 of the BRICHOS domain, which acts as chaperone preventing aggregation and amyloid formation of the SFTPC protein (Nerelius C et al. Biochem. J., 2008 Dec;416:201-9; Willander H et al. Proc. Natl. Acad. Sci. U.S.A., 2012 Feb;109:2325-9). In addition, there are many other SFTPC mutations reported downstream of this variant, indicating the functional importance of the region affected by the frameshift (Willander H et al. Proc. Natl. Acad. Sci. U.S.A., 2012 Feb;109:2325-9; Turcu S et al. Arch. Dis. Child., 2013 Jul;98:490-5; Kr&ouml;ner C et al. Eur. Respir. J., 2015 Jul;46:197-206). Based on the majority of available evidence to date, this variant is likely to be pathogenic.

Literature cited by the submitters: PubMed 18643778; PubMed 22308375; PubMed 23625987; PubMed 25657025.